The following is an entry in ClinVar:

NM_206933.4(USH2A):c.3676G>A (p.Gly1226Arg)

Genes: USH2A (usherin; minus strand), USH2A-AS1 (USH2A antisense RNA 1; plus strand). Cytogenetic location: 1q41.
Variant type: single nucleotide variant.
Coding change: c.3676G>A on transcript NM_206933.4 (MANE Select); coding-DNA position 3676, G replaced by A.
Protein change: p.Gly1226Arg; replaces glycine 1226 with arginine.
Molecular consequence: missense variant.
Genome position (GRCh38, 1-based): chr1:216,199,762, C>T on the plus strand (G>A on the coding strand, the complement: USH2A is on the minus strand). VCF-style: chr1-216199762-C-T. GRCh37 (hg19) VCF-style: chr1-216373104-C-T.
Other names: c.3676G>A (NM_206933.2); c.3676G>A, p.Gly1226Arg (NM_007123.6); short protein forms G1226R.
Identifiers: ClinVar variation 2168255 (VCV002168255.3), dbSNP rs770349057, ClinGen allele CA1395944.

ClinVar aggregate classification (germline): Uncertain significance. Review status: criteria provided, multiple submitters, no conflicts (2 of 4 stars). 3 submissions from 3 submitters: Uncertain significance (3). Last evaluated 2024-09-10.

Allele frequency attached by ClinVar (database versions not stated): gnomAD 0.00001; TOPMed 0.00001.
gnomAD v4.1: 17 of 1,614,030 alleles (0.0011%); highest among the groups gnomAD compares: Middle Eastern, 0.017%; no homozygotes.

Submissions (3):

Blueprint Genetics
Classification: Uncertain significance. Last evaluated: 2024-09-10. Review status: criteria provided, single submitter. Criteria: ACMG Guidelines, 2015. Collection method: clinical testing. Allele origin: germline.

GeneDx
Classification: Uncertain significance. Last evaluated: 2024-08-08. Review status: criteria provided, single submitter. Criteria: GeneDx Variant Classification Process June 2021. Collection method: clinical testing. Allele origin: germline. Affected: yes.
Comment: In silico analysis supports that this missense variant has a deleterious effect on protein structure/function; Has not been previously published as pathogenic or benign to our knowledge

Labcorp Genetics (formerly Invitae), Labcorp
Classification: Uncertain significance. Last evaluated: 2022-08-09. Review status: criteria provided, single submitter. Criteria: Invitae Variant Classification Sherloc (09022015). Collection method: clinical testing. Allele origin: germline.
Comment: This sequence change replaces glycine, which is neutral and non-polar, with arginine, which is basic and polar, at codon 1226 of the USH2A protein (p.Gly1226Arg). This variant is present in population databases (rs770349057, gnomAD 0.009%). This variant has not been reported in the literature in individuals affected with USH2A-related conditions. Algorithms developed to predict the effect of missense changes on protein structure and function are either unavailable or do not agree on the potential impact of this missense change (SIFT: "Deleterious"; PolyPhen-2: "Possibly Damaging"; Align-GVGD: "Class C0"). In summary, the available evidence is currently insufficient to determine the role of this variant in disease. Therefore, it has been classified as a Variant of Uncertain Significance.